The following is an entry in ClinVar:

ClinVar aggregate classification (germline): Uncertain significance (1 of 4 stars; one submission).

Conditions:
Hereditary cancer-predisposing syndrome. Also called: Neoplastic Syndromes, Hereditary; Hereditary Cancer Syndrome; Tumor predisposition; Hereditary neoplastic syndrome. Identifiers: Orphanet 140162, MedGen C0027672, MeSH D009386, MONDO:0015356.

Submission:

Ambry Genetics
Classification: Uncertain significance for Hereditary cancer-predisposing syndrome. Last evaluated: 2025-01-04. Review status: criteria provided, single submitter. Criteria: Ambry Variant Classification Scheme 2023. Collection method: clinical testing. Allele origin: germline.
Comment: The p.K191R variant (also known as c.572A>G), located in coding exon 4 of the STK11 gene, results from an A to G substitution at nucleotide position 572. The lysine at codon 191 is replaced by arginine, an amino acid with highly similar properties. This amino acid position is conserved. In addition, this alteration is predicted to be deleterious by in silico analysis. Based on the available evidence, the clinical significance of this variant remains unclear.

NM_000455.5(STK11):c.572A>G (p.Lys191Arg)

Gene: STK11 (serine/threonine kinase 11; plus strand). Cytogenetic location: 19p13.3.
Variant type: single nucleotide variant.
Coding change: c.572A>G on transcript NM_000455.5 (MANE Select); coding-DNA position 572, A replaced by G.
Protein change: p.Lys191Arg; replaces lysine 191 with arginine.
Molecular consequence: missense variant. On other transcripts: non-coding transcript variant (1).
Genome position (GRCh38, 1-based): chr19:1,220,480, A>G. VCF-style: chr19-1220480-A-G. GRCh37 (hg19) VCF-style: chr19-1220479-A-G.
Other names: c.572A>G, p.Lys191Arg (NM_001407255.1); short protein forms K191R.
Identifiers: ClinVar variation 3802378 (VCV003802378.1).
Genomic context (GRCh38, chr19:1,220,480, plus strand): 5'-GCATTGTGCACAAGGACATCAAGCCGGGGAACCTGCTGCTCACCACCGGTGGCACCCTCA[A>G]AATCTCCGACCTGGGCGTGGCCGAGGTAGGCACGTGCTAGGGGGGGCCCTGGGGCGCCCC-3'
Protein context (NP_000446.1, residues 181-201): NLLLTTGGTL[Lys191Arg]ISDLGVAEAL